The following is an entry in ClinVar:

NM_000257.4(MYH7):c.4411C>T (p.Gln1471Ter)

Genes: MHRT (myosin heavy chain associated RNA transcript; plus strand), MYH7 (myosin heavy chain 7; minus strand). Cytogenetic location: 14q11.2.
Variant type: single nucleotide variant.
Coding change: c.4411C>T on transcript NM_000257.4 (MANE Select); coding-DNA position 4411, C replaced by T.
Protein change: p.Gln1471Ter; replaces glutamine 1471 with a stop codon.
Molecular consequence: nonsense. On other transcripts: non-coding transcript variant (1).
Genome position (GRCh38, 1-based): chr14:23,417,261, G>A on the plus strand (C>T on the coding strand, the complement: MYH7 is on the minus strand). VCF-style: chr14-23417261-G-A. GRCh37 (hg19) VCF-style: chr14-23886470-G-A.
Other names: c.4411C>T (NM_000257.3); short protein forms Q1471*.
Identifiers: ClinVar variation 43017 (VCV000043017.19), dbSNP rs397516216, ClinGen allele CA014953.

ClinVar aggregate classification (germline): Uncertain significance. Review status: criteria provided, multiple submitters, no conflicts (2 of 4 stars). 7 submissions from 7 submitters: Uncertain significance (7). Last evaluated 2025-04-09.

Conditions:
Cardiovascular phenotype. Identifiers: MedGen CN230736.
Cardiomyopathy (CMYO). Also called: Cardiomyopathies. Identifiers: Orphanet 167848, MedGen C0878544, MONDO:0004994, HP:0001638. Inheritance: Various modes of inheritance.
Hypertrophic cardiomyopathy. Also called: HYPERTROPHIC MYOCARDIOPATHY. Identifiers: Orphanet 217569, MedGen C0007194, MeSH D002312, MONDO:0005045, HP:0001639.

Allele frequency attached by ClinVar (database versions not stated): gnomAD exomes 0.00001.
gnomAD v4.1: 3 of 1,614,184 alleles (0.00019%); highest among the groups gnomAD compares: Non-Finnish European, 0.00025%; no homozygotes.

Submissions (7):

Molecular Diagnostic Laboratory for Inherited Cardiovascular Disease, Montreal Heart Institute
Classification: Uncertain significance for Cardiovascular phenotype. Last evaluated: 2025-04-09. Review status: criteria provided, single submitter. Criteria: ACMG Guidelines, 2015. Collection method: clinical testing. Allele origin: germline. Affected: yes.

Labcorp Genetics (formerly Invitae), Labcorp
Classification: Uncertain significance for Hypertrophic cardiomyopathy. Last evaluated: 2024-10-21. Review status: criteria provided, single submitter. Criteria: Invitae Variant Classification Sherloc (09022015). Collection method: clinical testing. Allele origin: germline.
Comment: This sequence change creates a premature translational stop signal (p.Gln1471*) in the MYH7 gene. It is expected to result in an absent or disrupted protein product. However, the current clinical and genetic evidence is not sufficient to establish whether loss-of-function variants in MYH7 cause disease. This variant is not present in population databases (gnomAD no frequency). This premature translational stop signal has been observed in individual(s) with dilated cardiomyopathy (PMID: 24503780). ClinVar contains an entry for this variant (Variation ID: 43017). In summary, the available evidence is currently insufficient to determine the role of this variant in disease. Therefore, it has been classified as a Variant of Uncertain Significance.

All of Us Research Program, National Institutes of Health
Classification: Uncertain significance for Cardiomyopathy. Last evaluated: 2024-08-13. Review status: criteria provided, single submitter. Criteria: ACMG Guidelines, 2015. Collection method: clinical testing. Allele origin: germline. Inheritance: Autosomal dominant inheritance. Observed: 2 variant alleles, 2 heterozygotes.
Comment: This variant changes 1 nucleotide in exon 32 of the MYH7 gene, creating a premature translation stop signal. This variant is expected to result in an absent or non-functional protein product. This variant has been reported in an individual affected with dilated cardiomyopathy (PMID: 24503780, 27532257). Clinical relevance of loss-of-function MYH7 truncation variants in autosomal dominant cardiovascular disorders is not clearly established. This variant has not been identified in the general population by the Genome Aggregation Database (gnomAD). The available evidence is insufficient to determine the role of this variant in disease conclusively. Therefore, this variant is classified as a Variant of Uncertain Significance.

This study involves interpretation of variants in research participants for the purpose of population health screening. Participant phenotype was not available at the time of variant classification. Additional details can be found in publication PMID: 35346344, PMCID: PMC8962531

Color Diagnostics, LLC DBA Color Health
Classification: Uncertain significance for Cardiomyopathy. Last evaluated: 2024-07-08. Review status: criteria provided, single submitter. Criteria: ACMG Guidelines, 2015. Collection method: clinical testing. Allele origin: germline.
Comment: This variant changes 1 nucleotide in exon 32 of the MYH7 gene, creating a premature translation stop signal. This variant is expected to result in an absent or non-functional protein product. This variant has been reported in an individual affected with dilated cardiomyopathy (PMID: 24503780, 27532257). Clinical relevance of loss-of-function MYH7 truncation variants in autosomal dominant cardiovascular disorders is not clearly established. This variant has not been identified in the general population by the Genome Aggregation Database (gnomAD). The available evidence is insufficient to determine the role of this variant in disease conclusively. Therefore, this variant is classified as a Variant of Uncertain Significance.

GeneDx
Classification: Uncertain significance. Last evaluated: 2019-06-19. Review status: criteria provided, single submitter. Criteria: GeneDx Variant Classification Process June 2021. Collection method: clinical testing. Allele origin: germline. Affected: yes.
Comment: Identified in a single individual with DCM, however, additional clinical and segregation information was not provided (Pugh et al., 2014; Walsh et al., 2017); Not observed in large population cohorts (Lek et al., 2016); This variant is associated with the following publications: (PMID: 24503780, 27532257)

Ambry Genetics
Classification: Uncertain significance for Cardiovascular phenotype. Last evaluated: 2017-11-15. Review status: criteria provided, single submitter. Criteria: Ambry Variant Classification Scheme 2023. Collection method: clinical testing. Allele origin: germline.
Comment: The c.4411C>T (p.Q1471*) alteration, located in exon 32 (coding exon 30) of the MYH7 gene, consists of a C to T substitution at nucleotide position 4411. This changes the amino acid from a glutamine (Q) to a stop codon at amino acid position 1471. Premature stop codons are typically deleterious in nature (Richards, 2015). Based on insufficient or conflicting evidence, the clinical significance of this alteration remains unclear.

Laboratory for Molecular Medicine, Mass General Brigham Personalized Medicine
Classification: Uncertain significance. Last evaluated: 2014-01-19. Review status: criteria provided, single submitter. Criteria: LMM Criteria. Collection method: clinical testing. Allele origin: germline. Observed: 2 variant alleles.
Comment: proposed classification - variant undergoing re-assessment, contact laboratory

Literature cited by the submitters: PubMed 24503780 (cited by 3 submitters); PubMed 27532257 (cited by All of Us Research Program, National Institutes of Health and Color Diagnostics, LLC DBA Color Health).